The following is an entry in ClinVar:

NM_001184880.2(PCDH19):c.1579_2057delinsTCTCTGC (p.Lys527fs)

Gene: PCDH19 (protocadherin 19; minus strand). Cytogenetic location: Xq22.1.
Variant type: Indel.
Coding change: c.1579_2057delinsTCTCTGC on transcript NM_001184880.2 (MANE Select); coding-DNA positions 1579 to 2057, the reference bases replaced by TCTCTGC.
Protein change: p.Lys527fs; shifts the reading frame from lysine 527.
Molecular consequence: frameshift variant.
Genome position (GRCh38, 1-based): chrX:100,406,541-100,407,019, 479 bases replaced. GRCh37 (hg19): chrX:99,661,539-99,662,017.
Other names: c.1579_2057delinsTCTCTGC, p.Lys527fs (NM_001105243.2, NM_020766.3); short protein forms K527fs.
Identifiers: ClinVar variation 2113384 (VCV002113384.4), dbSNP rs2520975681, ClinGen allele CA2580100061.

ClinVar aggregate classification (germline): Pathogenic (1 of 4 stars; one submission).

Conditions:
Developmental and epileptic encephalopathy, 9 (DEE9). Also called: Early infantile epileptic encephalopathy 9; EPILEPSY, FEMALE-RESTRICTED, WITH MENTAL RETARDATION; JUBERG-HELLMAN SYNDROME; PCDH19-Related X-Linked Female-Limited Epilepsy with Mental Retardation. Identifiers: Orphanet 101039, Orphanet 2076, MedGen C1848137, MONDO:0010246, OMIM 300088. Disease mechanism: loss of function.

Submission:

Labcorp Genetics (formerly Invitae), Labcorp
Classification: Pathogenic for Developmental and epileptic encephalopathy, 9. Last evaluated: 2023-08-10. Review status: criteria provided, single submitter. Criteria: Invitae Variant Classification Sherloc (09022015). Collection method: clinical testing. Allele origin: germline.
Comment: For these reasons, this variant has been classified as Pathogenic. ClinVar contains an entry for this variant (Variation ID: 2113384). This variant has not been reported in the literature in individuals affected with PCDH19-related conditions. This variant is not present in population databases (gnomAD no frequency). This sequence change creates a premature translational stop signal (p.Lys527Serfs*11) in the PCDH19 gene. It is expected to result in an absent or disrupted protein product. Loss-of-function variants in PCDH19 are known to be pathogenic (PMID: 21053371).

Literature cited by the submitters: PubMed 21053371.